The following is an entry in ClinVar:

ClinVar aggregate classification (germline): Pathogenic (1 of 4 stars; one submission).

Submission:

Quest Diagnostics Nichols Institute San Juan Capistrano
Classification: Pathogenic. Last evaluated: 2021-10-08. Review status: criteria provided, single submitter. Criteria: ACMG/ClinGen CNV Guidelines, 2019. Collection method: clinical testing. Allele origin: unknown.
Comment: This genomic loss is expected to cause phenotypic and/or developmental abnormalities and may be consistent with 3p- syndrome (OMIM 613792). Characteristic features of the distal 3p- syndrome include low birth weight, microcephaly, trigonocephaly, hypotonia, psychomotor and growth delay, ptosis, telecanthus, downslanting palpebral fissures, and micrognathia. Postaxial polydactyly, renal anomalies, cleft palate, congenital heart defects (especially atrioventricular septal defects), preauricular pits, sacral dimple, and gastrointestinal anomalies are variable features. CAV3 has been suggested as the gene responsible for those 3p- patients with heart defects (PMID 10386585). Heterozygous loss-of-function mutations and deletions affecting SETD5 have been identified in multiple unrelated patients with intellectual disability and similar facial features (PMID 25138099).

GRCh37/hg19 3p26.3-25.3(chr3:61892-9769457)x1

Genes: LINC00312 (long intergenic non-protein coding RNA 312; plus strand), LMCD1 (LIM and cysteine rich domains 1; plus strand), SSUH2 (ssu-2 homolog; minus strand), MTMR14 (myotubularin related protein 14; plus strand), OXTR (oxytocin receptor; minus strand) and 22 more. Cytogenetic location: 3p26.3-25.3.
Variant type: copy number loss.
Change: copy number 1 (one copy instead of two) of chr3:61,892-9,769,457 (9.71 Mb, GRCh37 coordinates, 1-based), cytogenetic band 3p26.3-25.3.
Identifiers: ClinVar variation 1807781 (VCV001807781.1).